The following is an entry in ClinVar:

ClinVar aggregate classification (germline): Uncertain significance. Review status: criteria provided, multiple submitters, no conflicts (2 of 4 stars). 2 submissions from 2 submitters: Uncertain significance (2). Last evaluated 2024-08-05.

Conditions:
Microcephaly-intellectual disability-sensorineural hearing loss-epilepsy-abnormal muscle tone syndrome (NEDHSB). Also called: NEURODEVELOPMENTAL DISORDER WITH HEARING LOSS, SEIZURES, AND BRAIN ABNORMALITIES. Identifiers: Orphanet 457351, MedGen C4225276, MONDO:0014698, OMIM 616577.

Allele frequency attached by ClinVar (database versions not stated): gnomAD exomes below 0.00001; ExAC 0.00001; TOPMed 0.00001; 1000 Genomes Project 30x 0.00016; 1000 Genomes Project 0.00020.
gnomAD v4.1: 10 of 1,613,948 alleles (0.00062%); highest among the groups gnomAD compares: South Asian, 0.0022%; no homozygotes.

Submissions (2):

GeneDx
Classification: Uncertain significance. Last evaluated: 2024-08-05. Review status: criteria provided, single submitter. Criteria: GeneDx Variant Classification Process June 2021. Collection method: clinical testing. Allele origin: germline. Affected: yes.
Comment: Not observed at significant frequency in large population cohorts (gnomAD); In silico analysis indicates that this missense variant does not alter protein structure/function; Has not been previously published as pathogenic or benign to our knowledge

Labcorp Genetics (formerly Invitae), Labcorp
Classification: Uncertain significance for Microcephaly-intellectual disability-sensorineural hearing loss-epilepsy-abnormal muscle tone syndrome. Last evaluated: 2022-07-19. Review status: criteria provided, single submitter. Criteria: Invitae Variant Classification Sherloc (09022015). Collection method: clinical testing. Allele origin: germline.
Comment: This sequence change replaces isoleucine, which is neutral and non-polar, with valine, which is neutral and non-polar, at codon 723 of the SPATA5 protein (p.Ile723Val). This variant is present in population databases (rs534283508, gnomAD 0.003%). This variant has not been reported in the literature in individuals affected with SPATA5-related conditions. ClinVar contains an entry for this variant (Variation ID: 1401914). Advanced modeling of protein sequence and biophysical properties (such as structural, functional, and spatial information, amino acid conservation, physicochemical variation, residue mobility, and thermodynamic stability) performed at Invitae indicates that this missense variant is not expected to disrupt SPATA5 protein function. In summary, the available evidence is currently insufficient to determine the role of this variant in disease. Therefore, it has been classified as a Variant of Uncertain Significance.

NM_145207.3(AFG2A):c.2167A>G (p.Ile723Val)

Gene: AFG2A (AFG2 AAA ATPase homolog A; plus strand). Cytogenetic location: 4q28.1.
Variant type: single nucleotide variant.
Coding change: c.2167A>G on transcript NM_145207.3 (MANE Select); coding-DNA position 2167, A replaced by G.
Protein change: p.Ile723Val; replaces isoleucine 723 with valine.
Molecular consequence: missense variant.
Genome position (GRCh38, 1-based): chr4:123,057,242, A>G. VCF-style: chr4-123057242-A-G. GRCh37 (hg19) VCF-style: chr4-123978397-A-G.
Other names: c.2164A>G, p.Ile722Val (NM_001345856.2); c.2167A>G (NM_145207.2); short protein forms I722V, I723V.
Identifiers: ClinVar variation 1401914 (VCV001401914.6), dbSNP rs534283508, ClinGen allele CA3070664.